The following is an entry in ClinVar:

ClinVar aggregate classification (germline): Uncertain significance (1 of 4 stars; one submission).

Conditions:
Intellectual disability. Also called: Intellectual functioning disability; intellectual disabilities; Intellectual developmental disorder. Identifiers: MedGen C3714756, MeSH D008607, MONDO:0001071, HP:0001249.

Allele frequency attached by ClinVar (database versions not stated): gnomAD exomes below 0.00001; gnomAD 0.00001.
gnomAD v4.1: 2 of 1,614,006 alleles (0.00012%); highest among the groups gnomAD compares: Admixed American, 0.0033%; no homozygotes.

Submission:

Labcorp Genetics (formerly Invitae), Labcorp
Classification: Uncertain significance for Intellectual disability. Last evaluated: 2024-02-05. Review status: criteria provided, single submitter. Criteria: Invitae Variant Classification Sherloc (09022015). Collection method: clinical testing. Allele origin: germline.
Comment: This sequence change replaces aspartic acid, which is acidic and polar, with asparagine, which is neutral and polar, at codon 435 of the GABRB2 protein (p.Asp435Asn). This variant is present in population databases (no rsID available, gnomAD 0.003%). This variant has not been reported in the literature in individuals affected with GABRB2-related conditions. Advanced modeling of protein sequence and biophysical properties (such as structural, functional, and spatial information, amino acid conservation, physicochemical variation, residue mobility, and thermodynamic stability) has been performed at Invitae for this missense variant, however the output from this modeling did not meet the statistical confidence thresholds required to predict the impact of this variant on GABRB2 protein function. In summary, the available evidence is currently insufficient to determine the role of this variant in disease. Therefore, it has been classified as a Variant of Uncertain Significance.

NM_001371727.1(GABRB2):c.1303G>A (p.Asp435Asn)

Gene: GABRB2 (gamma-aminobutyric acid type A receptor subunit beta2; minus strand). Cytogenetic location: 5q34.
Variant type: single nucleotide variant.
Coding change: c.1303G>A on transcript NM_001371727.1 (MANE Select); coding-DNA position 1303, G replaced by A.
Protein change: p.Asp435Asn; replaces aspartic acid 435 with asparagine.
Molecular consequence: missense variant.
Genome position (GRCh38, 1-based): chr5:161,294,317, C>T on the plus strand (G>A on the coding strand, the complement: GABRB2 is on the minus strand). VCF-style: chr5-161294317-C-T. GRCh37 (hg19) VCF-style: chr5-160721324-C-T.
Other names: c.1189G>A, p.Asp397Asn (NM_000813.3); c.1303G>A, p.Asp435Asn (NM_021911.3); short protein forms D397N, D435N.
Identifiers: ClinVar variation 2872973 (VCV002872973.3), dbSNP rs1274082991, ClinGen allele CA362173432.